The following is an entry in ClinVar:

ClinVar aggregate classification (germline): Uncertain significance (1 of 4 stars; one submission).

Conditions:
Familial hemophagocytic lymphohistiocytosis 5. Also called: STXBP2-Related Familial Hemophagocytic Lymphohistiocytosis (STXBP2-fHLH). Identifiers: Orphanet 540, MedGen C2751293, MONDO:0013135, OMIM 613101.

Submission:

Labcorp Genetics (formerly Invitae), Labcorp
Classification: Uncertain significance for Familial hemophagocytic lymphohistiocytosis 5. Last evaluated: 2022-07-18. Review status: criteria provided, single submitter. Criteria: Invitae Variant Classification Sherloc (09022015). Collection method: clinical testing. Allele origin: germline.
Comment: In summary, the available evidence is currently insufficient to determine the role of this variant in disease. Therefore, it has been classified as a Variant of Uncertain Significance. Variants that disrupt the consensus splice site are a relatively common cause of aberrant splicing (PMID: 17576681, 9536098). Algorithms developed to predict the effect of sequence changes on RNA splicing suggest that this variant may disrupt the consensus splice site. ClinVar contains an entry for this variant (Variation ID: 1522242). This variant has not been reported in the literature in individuals affected with STXBP2-related conditions. This variant is not present in population databases (gnomAD no frequency). This sequence change falls in intron 2 of the STXBP2 gene. It does not directly change the encoded amino acid sequence of the STXBP2 protein. It affects a nucleotide within the consensus splice site.

Literature cited by the submitters: PubMed 17576681; PubMed 9536098.

NM_006949.4(STXBP2):c.88-3C>T

Gene: STXBP2 (syntaxin binding protein 2; plus strand). Cytogenetic location: 19p13.2.
Variant type: single nucleotide variant.
Coding change: c.88-3C>T on transcript NM_006949.4 (MANE Select); 3 bases into the intron before coding-DNA position 88, C replaced by T.
Molecular consequence: intron variant.
Genome position (GRCh38, 1-based): chr19:7,639,016, C>T. VCF-style: chr19-7639016-C-T. GRCh37 (hg19) VCF-style: chr19-7703902-C-T.
Other names: c.88-3C>T (NM_001272034.2, NM_001127396.3).
Identifiers: ClinVar variation 1522242 (VCV001522242.6), dbSNP rs2146206672, ClinGen allele CA2573155930.
Genomic context (GRCh38, chr19:7,639,016, plus strand): 5'-TCTGGGGCCAGCTGTGGCCTCTTCCGCCTGCTCCTCCATCCATCTGTCCATCCATCTGGA[C>T]AGGTGCTTATCATGGATCACCCAAGCATGCGCATCTTGTCTTCCTGCTGCAAAATGTCAG-3'